The following is an entry in ClinVar:

NM_000143.4(FH):c.1415del (p.Ala472fs)

Gene: FH (fumarate hydratase; minus strand). Cytogenetic location: 1q43.
Variant type: Deletion.
Coding change: c.1415del on transcript NM_000143.4 (MANE Select); coding-DNA position 1415, one base deleted (C; older notation c.1415delC).
Protein change: p.Ala472fs; shifts the reading frame from alanine 472.
Molecular consequence: frameshift variant.
Genome position (GRCh38, 1-based): chr1:241,497,946, G deleted on the plus strand (C on the coding strand, the reverse complement: FH is on the minus strand). VCF-style (leftmost placement, unchanged base first): chr1-241497945-AG-A. GRCh37 (hg19) VCF-style: chr1-241661245-AG-A.
Other names: c.1415delC, p.Ala472Valfs (NM_000143.3); short protein forms A472fs.
Identifiers: ClinVar variation 4817565 (VCV004817565.1).
Genomic context (GRCh38, chr1:241,497,945, plus strand): 5'-GAGATAGCCAAGTTCGATAGCAGTTTCCTTTAAGGTTGATCCATTTTTGTGTGCTGTCTT[AG>A]CAATCTTTGCTGCCTTGTCATACCCTGAAGAAAAAATAAAAAGACGACATATGGGTTAGC-3'

ClinVar aggregate classification (germline): Likely pathogenic (1 of 4 stars; one submission).

Conditions:
Fumarase deficiency (FMRD). Also called: Fumarate Hydratase Deficiency; Fumaric aciduria. Identifiers: Orphanet 24, MedGen C0342770, MONDO:0011730, OMIM 606812.

Submission:

Natera, Inc.
Classification: Likely pathogenic for Fumarase Deficiency. Last evaluated: 2026-01-23. Review status: criteria provided, single submitter. Criteria: Natera Variant Classification Schema (03/2026). Collection method: clinical testing. Allele origin: germline.
Comment: The c.1415del variant in FH is a frameshift variant predicted to shift the reading frame beginning at codon 472 and leads to a stop codon 11 codons downstream. This variant is expected to result in nonsense mediated decay, truncation, or a dysfunctional protein product. This variant is rare in the general population with a frequency below the threshold expected for the associated phenotype(s). Given the available evidence, this variant is classified as Likely Pathogenic.